The following is an entry in ClinVar:

NM_000135.4(FANCA):c.3163C>G (p.Arg1055Gly)

Gene: FANCA (FA complementation group A; minus strand). Cytogenetic location: 16q24.3.
Variant type: single nucleotide variant.
Coding change: c.3163C>G on transcript NM_000135.4 (MANE Select); coding-DNA position 3163, C replaced by G.
Protein change: p.Arg1055Gly; replaces arginine 1055 with glycine.
Molecular consequence: missense variant.
Genome position (GRCh38, 1-based): chr16:89,749,806, G>C on the plus strand (C>G on the coding strand, the complement: FANCA is on the minus strand). VCF-style: chr16-89749806-G-C. GRCh37 (hg19) VCF-style: chr16-89816214-G-C.
Other names: c.3163C>G, p.Arg1055Gly (NM_001286167.3); short protein forms R1055G.
Identifiers: ClinVar variation 974256 (VCV000974256.8), dbSNP rs753063086, ClinGen allele CA397486567.

ClinVar aggregate classification (germline): Likely pathogenic. Review status: criteria provided, single submitter (1 of 4 stars). 2 submissions from 2 submitters: Likely pathogenic (1). 1 of the submissions does not count toward it. Last evaluated 2021-07-29.

Conditions:
Fanconi anemia (FA). Also called: Fanconi's anemia. Identifiers: Orphanet 84, MedGen C0015625, MeSH D005199, MONDO:0019391.

Submissions (2):

Labcorp Genetics (formerly Invitae), Labcorp
Classification: Likely pathogenic for Fanconi anemia. Last evaluated: 2021-07-29. Review status: criteria provided, single submitter. Criteria: Invitae Variant Classification Sherloc (09022015). Collection method: clinical testing. Allele origin: germline.
Comment: This sequence change replaces arginine with glycine at codon 1055 of the FANCA protein (p.Arg1055Gly). The arginine residue is highly conserved and there is a moderate physicochemical difference between arginine and glycine. In summary, the currently available evidence indicates that the variant is pathogenic, but additional data are needed to prove that conclusively. Therefore, this variant has been classified as Likely Pathogenic. This variant disrupts the p.Arg1055 amino acid residue in FANCA. Other variant(s) that disrupt this residue have been determined to be pathogenic (PMID: 9929978, 10094191, 15523645, 19367192). This suggests that this residue is clinically significant, and that variants that disrupt this residue are likely to be disease-causing. Advanced modeling of protein sequence and biophysical properties (such as structural, functional, and spatial information, amino acid conservation, physicochemical variation, residue mobility, and thermodynamic stability) performed at Invitae indicates that this missense variant is expected to disrupt FANCA protein function. ClinVar contains an entry for this variant (Variation ID: 974256). This variant has been observed in individual(s) with Fanconi anemia (PMID: 28717661). This variant is not present in population databases (ExAC no frequency).

Leiden Open Variation Database
Classification: Uncertain significance. Last evaluated: 2020-02-28. Review status: no assertion criteria provided. Collection method: curation. Allele origin: germline. Affected: yes. Not counted in ClinVar's aggregate classification.
Comment: Curator: Arleen D. Auerbach. Submitter to LOVD: Daniela Pilonetto.

Literature cited by the submitters: PubMed 9929978 (cited by Labcorp Genetics (formerly Invitae), Labcorp); PubMed 10094191 (cited by Labcorp Genetics (formerly Invitae), Labcorp); PubMed 15523645 (cited by Labcorp Genetics (formerly Invitae), Labcorp); PubMed 19367192 (cited by Labcorp Genetics (formerly Invitae), Labcorp); PubMed 28717661 (cited by Labcorp Genetics (formerly Invitae), Labcorp).